The following is an entry in ClinVar:

ClinVar aggregate classification (germline): Uncertain significance (1 of 4 stars; one submission).

Conditions:
SLIT3-related disorder. Also called: SLIT3-related condition.

gnomAD v4.1: 149 of 1,613,438 alleles (0.0092%); highest among the groups gnomAD compares: East Asian, 0.029%; no homozygotes.

Submission:

PreventionGenetics, part of Exact Sciences
Classification: Uncertain significance for SLIT3-related condition. Last evaluated: 2025-04-07. Review status: criteria provided, single submitter. Criteria: ACMG Guidelines, 2015. Collection method: clinical testing. Allele origin: germline.
Comment: The SLIT3 c.4080C>T variant is not predicted to result in an amino acid change (p.=). This variant is predicted to alter splicing based on available splicing prediction programs (SpliceAI, Jaganathan et al. 2019. PubMed ID: 30661751). To our knowledge, this variant has not been reported in the literature. This variant is reported in 0.080% of alleles in individuals of European (Finnish) descent in gnomAD. Although we suspect that this variant may be benign, at this time, the clinical significance of this variant is uncertain due to the absence of conclusive functional and genetic evidence.

NM_003062.4(SLIT3):c.4059C>T (p.Cys1353=)

Gene: SLIT3 (slit guidance ligand 3; minus strand). Cytogenetic location: 5q34.
Variant type: single nucleotide variant.
Coding change: c.4059C>T on transcript NM_003062.4 (MANE Select); coding-DNA position 4059, C replaced by T.
Protein change: p.Cys1353=; no amino-acid change (cysteine 1353 retained).
Molecular consequence: synonymous variant.
Genome position (GRCh38, 1-based): chr5:168,671,266, G>A on the plus strand (C>T on the coding strand, the complement: SLIT3 is on the minus strand). VCF-style: chr5-168671266-G-A. GRCh37 (hg19) VCF-style: chr5-168098271-G-A.
Other names: c.4080C>T, p.Cys1360= (NM_001271946.2).
Identifiers: ClinVar variation 4977095 (VCV004977095.1).